The following is an entry in ClinVar:

ClinVar aggregate classification (germline): Uncertain significance (1 of 4 stars; one submission).

Conditions:
Inborn genetic diseases. Identifiers: MedGen C0950123, MeSH D030342.

Submission:

Ambry Genetics
Classification: Uncertain significance for Inborn genetic diseases. Last evaluated: 2025-11-29. Review status: criteria provided, single submitter. Criteria: Ambry Variant Classification Scheme 2023. Collection method: clinical testing. Allele origin: germline.
Comment: The p.D487G variant (also known as c.1460A>G), located in coding exon 9 of the FANCM gene, results from an A to G substitution at nucleotide position 1460. The aspartic acid at codon 487 is replaced by glycine, an amino acid with similar properties. This amino acid position is conserved. In addition, this alteration is predicted to be tolerated by in silico analysis. Based on the available evidence, the clinical significance of this variant remains unclear.

NM_020937.4(FANCM):c.1460A>G (p.Asp487Gly)

Gene: FANCM (FA complementation group M; plus strand). Cytogenetic location: 14q21.2.
Variant type: single nucleotide variant.
Coding change: c.1460A>G on transcript NM_020937.4 (MANE Select); coding-DNA position 1460, A replaced by G.
Protein change: p.Asp487Gly; replaces aspartic acid 487 with glycine.
Molecular consequence: missense variant.
Genome position (GRCh38, 1-based): chr14:45,159,159, A>G. VCF-style: chr14-45159159-A-G. GRCh37 (hg19) VCF-style: chr14-45628362-A-G.
Other names: c.1382A>G, p.Asp461Gly (NM_001308133.2); c.1460A>G, p.Asp487Gly (NM_001308134.2); short protein forms D461G, D487G.
Identifiers: ClinVar variation 4619621 (VCV004619621.1).
Genomic context (GRCh38, chr14:45,159,159, plus strand): 5'-AAAACACTACTGAAAAGAAACGTGATGAGACCCGAGTTATGATCTTCTCTTCATTTCGAG[A>G]TAGTGTTCAAGAAATTGCAGAAATGCTTTCACAGCATCAGCCAATTATTAGAGTAATGAC-3'
Protein context (NP_065988.1, residues 477-497): TRVMIFSSFR[Asp487Gly]SVQEIAEMLS